The following is an entry in ClinVar:

ClinVar aggregate classification (germline): Benign. Review status: criteria provided, multiple submitters, no conflicts (2 of 4 stars). 3 submissions from 3 submitters: Benign (2). 1 of the submissions does not count toward it. Last evaluated 2026-01-27.

Conditions:
SLC13A3-related disorder. Also called: SLC13A3-related condition.

Allele frequency attached by ClinVar (database versions not stated): 1000 Genomes Project 0.00759; 1000 Genomes Project 30x 0.00859; TOPMed 0.01648; gnomAD 0.01722 and 0.01782; ExAC 0.01727; gnomAD exomes 0.01731 and 0.02205; ESP Exome Variant Server 0.01807.
gnomAD v4.1: 34,694 of 1,613,796 alleles (2.1%); highest among the groups gnomAD compares: Non-Finnish European, 2.5%; 436 homozygotes.

Submissions (3):

Labcorp Genetics (formerly Invitae), Labcorp
Classification: Benign. Last evaluated: 2026-01-27. Review status: criteria provided, single submitter. Criteria: Invitae Variant Classification Sherloc (09022015). Collection method: clinical testing. Allele origin: germline.

Breakthrough Genomics
Classification: Benign. Review status: criteria provided, single submitter. Criteria: ACMG Guidelines, 2015. Collection method: not provided. Allele origin: germline. Inheritance: Autosomal recessive inheritance. Affected: yes.

PreventionGenetics, part of Exact Sciences
Classification: Benign for SLC13A3-related condition. Last evaluated: 2019-11-01. Review status: no assertion criteria provided. Collection method: clinical testing. Allele origin: germline. Not counted in ClinVar's aggregate classification.
Comment: This variant is classified as benign based on ACMG/AMP sequence variant interpretation guidelines (Richards et al. 2015 PMID: 25741868, with internal and published modifications).

NM_022829.6(SLC13A3):c.908G>C (p.Gly303Ala)

Gene: SLC13A3 (solute carrier family 13 member 3; minus strand). Cytogenetic location: 20q13.12.
Variant type: single nucleotide variant.
Coding change: c.908G>C on transcript NM_022829.6 (MANE Select); coding-DNA position 908, G replaced by C.
Protein change: p.Gly303Ala; replaces glycine 303 with alanine.
Molecular consequence: missense variant.
Genome position (GRCh38, 1-based): chr20:46,592,416, C>G on the plus strand (G>C on the coding strand, the complement: SLC13A3 is on the minus strand). VCF-style: chr20-46592416-C-G. GRCh37 (hg19) VCF-style: chr20-45221055-C-G.
Other names: c.908G>C (NM_022829.5); c.767G>C, p.Gly256Ala (NM_001011554.3, NM_001193340.2); c.758G>C, p.Gly253Ala (NM_001193339.2); c.614G>C, p.Gly205Ala (NM_001193342.2); short protein forms G205A, G253A, G256A, G303A.
Identifiers: ClinVar variation 1164907 (VCV001164907.12), dbSNP rs141554970, ClinGen allele CA9891485.